The following is an entry in ClinVar:

NM_003024.3(ITSN1):c.614A>T (p.Asp205Val)

Gene: ITSN1 (intersectin 1; plus strand). Cytogenetic location: 21q22.11.
Variant type: single nucleotide variant.
Coding change: c.614A>T on transcript NM_003024.3 (MANE Select); coding-DNA position 614, A replaced by T.
Protein change: p.Asp205Val; replaces aspartic acid 205 with valine.
Molecular consequence: missense variant.
Genome position (GRCh38, 1-based): chr21:33,751,897, A>T. VCF-style: chr21-33751897-A-T. GRCh37 (hg19) VCF-style: chr21-35124202-A-T.
Other names: c.614A>T, p.Asp205Val (NM_001001132.2, NM_001331008.2, NM_001331009.2 and 2 more transcripts); c.503A>T, p.Asp168Val (NM_001331012.2); short protein forms D168V, D205V.
Identifiers: ClinVar variation 4083445 (VCV004083445.1).

ClinVar aggregate classification (germline): Uncertain significance (1 of 4 stars; one submission).

gnomAD v4.1: 1 of 1,610,956 alleles (0.000062%); highest among the groups gnomAD compares: Non-Finnish European, 0.000085%; no homozygotes.

Submission:

GeneDx
Classification: Uncertain significance. Last evaluated: 2025-03-05. Review status: criteria provided, single submitter. Criteria: GeneDx Variant Classification Process June 2021. Collection method: clinical testing. Allele origin: germline. Affected: yes.
Comment: Not observed at significant frequency in large population cohorts (gnomAD); In silico analysis supports that this missense variant has a deleterious effect on protein structure/function; Has not been previously published as pathogenic or benign to our knowledge